The following is an entry in ClinVar:

ClinVar aggregate classification (germline): Benign/Likely benign. Review status: criteria provided, multiple submitters, no conflicts (2 of 4 stars). 3 submissions from 3 submitters: Benign (2); Likely benign (1). Last evaluated 2023-04-11.

Conditions:
Pyridoxine-dependent epilepsy (EPEO4). Also called: EPILEPSY, EARLY-ONSET, 4, VITAMIN B6-DEPENDENT; Pyridoxine-Dependent Epilepsy - ALDH7A1; Pyridoxine-Dependent Seizures; PYRIDOXINE DEPENDENCY WITH SEIZURES. Identifiers: Orphanet 3006, MedGen C1849508, MONDO:0009945, OMIM 266100. Disease mechanism: loss of function.

Allele frequency attached by ClinVar (database versions not stated): gnomAD exomes 0.00056; ExAC 0.00083; 1000 Genomes Project 30x 0.00437; gnomAD 0.00250 and 0.00261; TOPMed 0.00294; 1000 Genomes Project 0.00459.

Submissions (3):

Genome-Nilou Lab
Classification: Benign for Pyridoxine-dependent epilepsy. Last evaluated: 2023-04-11. Review status: criteria provided, single submitter. Criteria: ACMG Guidelines, 2015. Collection method: clinical testing. Allele origin: germline. Affected: no.

Center for Pediatric Genomic Medicine, Children's Mercy Hospital and Clinics
Classification: Likely benign. Last evaluated: 2017-08-24. Review status: criteria provided, single submitter. Criteria: ACMG Guidelines, 2015. Collection method: clinical testing. Allele origin: germline.

GeneDx
Classification: Benign. Last evaluated: 2014-08-27. Review status: criteria provided, single submitter. Criteria: GeneDx Variant Classification (06012015). Collection method: clinical testing. Allele origin: germline. Affected: yes.
Comment: This variant is considered likely benign or benign based on one or more of the following criteria: it is a conservative change, it occurs at a poorly conserved position in the protein, it is predicted to be benign by multiple in silico algorithms, and/or has population frequency not consistent with disease.

NM_001182.4(ALDH7A1):c.-34G>C

Gene: ALDH7A1 (aldehyde dehydrogenase 7 family member A1; minus strand). Cytogenetic location: 5q23.2.
Variant type: single nucleotide variant.
Coding change: c.-34G>C on transcript NM_001182.4; 34 bases upstream of the start codon, G replaced by C.
Genome position (GRCh38, 1-based): chr5:126,595,232, C>G on the plus strand (G>C on the coding strand, the complement: ALDH7A1 is on the minus strand). VCF-style: chr5-126595232-C-G. GRCh37 (hg19) VCF-style: chr5-125930924-C-G.
Identifiers: ClinVar variation 204824 (VCV000204824.4), dbSNP rs140627539, ClinGen allele CA313156.